The following is an entry in ClinVar:

NM_152296.5(ATP1A3):c.153+7C>T

Gene: ATP1A3 (ATPase Na+/K+ transporting subunit alpha 3; minus strand). Cytogenetic location: 19q13.2.
Variant type: single nucleotide variant.
Coding change: c.153+7C>T on transcript NM_152296.5 (MANE Select); 7 bases into the intron after coding-DNA position 153, C replaced by T.
Molecular consequence: intron variant.
Genome position (GRCh38, 1-based): chr19:41,988,311, G>A on the plus strand (C>T on the coding strand, the complement: ATP1A3 is on the minus strand). VCF-style: chr19-41988311-G-A. GRCh37 (hg19) VCF-style: chr19-42492463-G-A.
Other names: c.192+7C>T (NM_001256214.1, NM_001256214.2); c.186+7C>T (NM_001256213.2).
Identifiers: ClinVar variation 329431 (VCV000329431.57), dbSNP rs782082118, ClinGen allele CA9467945.

ClinVar aggregate classification (germline): Conflicting classifications of pathogenicity. Review status: criteria provided, conflicting classifications (1 of 4 stars). 6 submissions from 5 submitters: Uncertain significance (1); Benign (2); Likely benign (3). Last evaluated 2026-01-28.

Conditions:
Dystonia 12 (DYT12). Also called: DYT-ATP1A3; Rapid-Onset Dystonia-Parkinsonism (RDP). Identifiers: Orphanet 71517, MedGen C1868681, MONDO:0007496, OMIM 128235.
ATP1A3-related disorder. Also called: ATP1A3-related disorders; ATP1A3-related condition. Identifiers: MedGen CN381097.
Alternating hemiplegia of childhood 2 (AHC2). Also called: Alternating Hemiplegia of Childhood (AHC). Identifiers: Orphanet 2131, MedGen C3553788, MONDO:0013900, OMIM 614820.

Allele frequency attached by ClinVar (database versions not stated): gnomAD 0.00001; ExAC 0.00002; TOPMed 0.00003; gnomAD exomes 0.00005.
gnomAD v4.1: 23 of 1,613,930 alleles (0.0014%); highest among the groups gnomAD compares: Admixed American, 0.025%; no homozygotes.

Submissions (6):

Labcorp Genetics (formerly Invitae), Labcorp
Classification: Likely benign for Dystonia 12. Last evaluated: 2026-01-28. Review status: criteria provided, single submitter. Criteria: Invitae Variant Classification Sherloc (09022015). Collection method: clinical testing. Allele origin: germline.

PreventionGenetics, part of Exact Sciences
Classification: Likely benign for ATP1A3-related condition. Last evaluated: 2025-04-29. Review status: criteria provided, single submitter. Criteria: ACMG Guidelines, 2015. Collection method: clinical testing. Allele origin: germline.
Comment: This variant is classified as likely benign based on ACMG/AMP sequence variant interpretation guidelines (Richards et al. 2015 PMID: 25741868, with internal and published modifications).

Blueprint Genetics
Classification: Likely benign. Last evaluated: 2022-11-15. Review status: criteria provided, single submitter. Criteria: ACMG Guidelines, 2015. Collection method: clinical testing. Allele origin: germline.

CeGaT Center for Human Genetics Tuebingen
Classification: Uncertain significance. Last evaluated: 2019-01-01. Review status: criteria provided, single submitter. Criteria: CeGaT Center For Human Genetics Tuebingen Variant Classification Criteria Version 2. Collection method: clinical testing. Allele origin: germline. Affected: yes. Observed: 2 variant alleles.

Illumina Laboratory Services, Illumina
Classification: Benign for Alternating hemiplegia of childhood 2. Last evaluated: 2018-01-13. Review status: criteria provided, single submitter. Criteria: ICSL Variant Classification Criteria 13 December 2019. Collection method: clinical testing. Allele origin: germline.
Comment: This variant was observed in the ICSL laboratory as part of a predisposition screen in an ostensibly healthy population. It had not been previously curated by ICSL or reported in the Human Gene Mutation Database (HGMD: prior to June 1st, 2018), and was therefore a candidate for classification through an automated scoring system. Utilizing variant allele frequency, disease prevalence and penetrance estimates, and inheritance mode, an automated score was calculated to assess if this variant is too frequent to cause the disease. Based on the score and internal cut-off values, a variant classified as benign is not then subjected to further curation. The score for this variant resulted in a classification of benign for this disease.

Illumina Laboratory Services, Illumina
Classification: Benign for Dystonia 12. Last evaluated: 2018-01-13. Review status: criteria provided, single submitter. Criteria: ICSL Variant Classification Criteria 13 December 2019. Collection method: clinical testing. Allele origin: germline.
Comment: the same text as in the submission from Illumina Laboratory Services, Illumina above.